The following is an entry in ClinVar:

ClinVar aggregate classification (germline): Likely benign. Review status: criteria provided, multiple submitters, no conflicts (2 of 4 stars). 2 submissions from 2 submitters: Likely benign (2). Last evaluated 2025-11-09.

Conditions:
Carnitine palmitoyl transferase 1A deficiency. Also called: Carnitine palmitoyltransferase 1A deficiency; CPT deficiency, hepatic, type IA; CPT I DEFICIENCY; CPT DEFICIENCY, HEPATIC, TYPE I; Carnitine palmitoyltransferase type I deficiency. Identifiers: Orphanet 156, MedGen C1829703, MONDO:0009705, OMIM 255120.

Allele frequency attached by ClinVar (database versions not stated): ExAC 0.00001; TOPMed 0.00002.
gnomAD v4.1: 6 of 1,613,182 alleles (0.00037%); highest among the groups gnomAD compares: Middle Eastern, 0.033%; no homozygotes.

Submissions (2):

Labcorp Genetics (formerly Invitae), Labcorp
Classification: Likely benign for Carnitine palmitoyl transferase 1A deficiency. Last evaluated: 2025-11-09. Review status: criteria provided, single submitter. Criteria: Invitae Variant Classification Sherloc (09022015). Collection method: clinical testing. Allele origin: germline.

GeneDx
Classification: Likely benign. Last evaluated: 2016-03-18. Review status: criteria provided, single submitter. Criteria: GeneDx Variant Classification (06012015). Collection method: clinical testing. Allele origin: germline. Affected: yes.
Comment: This variant is considered likely benign or benign based on one or more of the following criteria: it is a conservative change, it occurs at a poorly conserved position in the protein, it is predicted to be benign by multiple in silico algorithms, and/or has population frequency not consistent with disease.

NM_001876.4(CPT1A):c.771+13G>A

Gene: CPT1A (carnitine palmitoyltransferase 1A; minus strand). Cytogenetic location: 11q13.3.
Variant type: single nucleotide variant.
Coding change: c.771+13G>A on transcript NM_001876.4 (MANE Select); 13 bases into the intron after coding-DNA position 771, G replaced by A.
Molecular consequence: intron variant.
Genome position (GRCh38, 1-based): chr11:68,796,843, C>T on the plus strand (G>A on the coding strand, the complement: CPT1A is on the minus strand). VCF-style: chr11-68796843-C-T. GRCh37 (hg19) VCF-style: chr11-68564311-C-T.
Other names: c.771+13G>A (NM_001031847.3).
Identifiers: ClinVar variation 384852 (VCV000384852.5), dbSNP rs996371611, ClinGen allele CA6152541.
Genomic context (GRCh38, chr11:68,796,843, plus strand): 5'-AGACGCCACCTCTGTGGACAGACCCGCCGCCCCACCGTCCTCGTCAGACAGCAGCCCGGG[C>T]GGGTGGACTCACCATGGCATAATAGTTGCTGTTCACCATGAGCGGCCCTCGTCCTCGGAG-3'